The following is an entry in ClinVar:

ClinVar aggregate classification (germline): Uncertain significance (1 of 4 stars; one submission).

gnomAD v4.1: 7 of 1,208,090 alleles (0.00058%); highest among the groups gnomAD compares: Non-Finnish European, 0.00056%; no homozygotes.

Submission:

Labcorp Genetics (formerly Invitae), Labcorp
Classification: Uncertain significance. Last evaluated: 2024-08-13. Review status: criteria provided, single submitter. Criteria: Invitae Variant Classification Sherloc (09022015). Collection method: clinical testing. Allele origin: germline.
Comment: This sequence change replaces tyrosine, which is neutral and polar, with cysteine, which is neutral and slightly polar, at codon 136 of the CLCN5 protein (p.Tyr136Cys). This variant is not present in population databases (gnomAD no frequency). This variant has not been reported in the literature in individuals affected with CLCN5-related conditions. An algorithm developed to predict the effect of missense changes on protein structure and function (PolyPhen-2) suggests that this variant is likely to be disruptive. In summary, the available evidence is currently insufficient to determine the role of this variant in disease. Therefore, it has been classified as a Variant of Uncertain Significance.

NM_001127898.4(CLCN5):c.617A>G (p.Tyr206Cys)

Gene: CLCN5 (chloride voltage-gated channel 5; plus strand). Cytogenetic location: Xp11.23.
Variant type: single nucleotide variant.
Coding change: c.617A>G on transcript NM_001127898.4 (MANE Select); coding-DNA position 617, A replaced by G.
Protein change: p.Tyr206Cys; replaces tyrosine 206 with cysteine.
Molecular consequence: missense variant.
Genome position (GRCh38, 1-based): chrX:50,080,607, A>G. VCF-style: chrX-50080607-A-G. GRCh37 (hg19) VCF-style: chrX-49845264-A-G.
Other names: c.407A>G, p.Tyr136Cys (NM_000084.5); c.617A>G, p.Tyr206Cys (NM_001127899.4); c.467A>G, p.Tyr156Cys (NM_001282163.2); short protein forms Y136C, Y156C, Y206C.
Identifiers: ClinVar variation 3612185 (VCV003612185.2).